The following is an entry in ClinVar:

NM_001356.5(DDX3X):c.1883A>C (p.His628Pro)

Gene: DDX3X (DEAD-box helicase 3 X-linked; plus strand). Cytogenetic location: Xp11.4.
Variant type: single nucleotide variant.
Coding change: c.1883A>C on transcript NM_001356.5 (MANE Select); coding-DNA position 1883, A replaced by C.
Protein change: p.His628Pro; replaces histidine 628 with proline.
Molecular consequence: missense variant. On other transcripts: non-coding transcript variant (1).
Genome position (GRCh38, 1-based): chrX:41,347,425, A>C. VCF-style: chrX-41347425-A-C. GRCh37 (hg19) VCF-style: chrX-41206678-A-C.
Other names: c.1880A>C, p.His627Pro (NM_001193416.3); c.1835A>C, p.His612Pro (NM_001193417.3); c.1322A>C, p.His441Pro (NM_001363819.1); short protein forms H441P, H612P, H627P, H628P.
Identifiers: ClinVar variation 2095890 (VCV002095890.4), dbSNP rs2519527909, ClinGen allele CA412779557.
Genomic context (GRCh38, chrX:41,347,425, plus strand): 5'-CCAGCAGTTCCAGCTTCAGCAGCAGCCGCGCAAGCAGCAGCCGCAGTGGCGGAGGTGGCC[A>C]CGGTAGCAGCAGAGGATTTGGTGGAGGTAGTGTTAATCTGTAACTTCATAGCTTTGGGAA-3'
Protein context (NP_001347.3, residues 618-638): ASSSRSGGGG[His628Pro]GSSRGFGGGG

ClinVar aggregate classification (germline): Uncertain significance (1 of 4 stars; one submission).

Submission:

Labcorp Genetics (formerly Invitae), Labcorp
Classification: Uncertain significance. Last evaluated: 2022-08-14. Review status: criteria provided, single submitter. Criteria: Invitae Variant Classification Sherloc (09022015). Collection method: clinical testing. Allele origin: germline.
Comment: In summary, the available evidence is currently insufficient to determine the role of this variant in disease. Therefore, it has been classified as a Variant of Uncertain Significance. Algorithms developed to predict the effect of missense changes on protein structure and function are either unavailable or do not agree on the potential impact of this missense change (SIFT: "Tolerated"; PolyPhen-2: "Not Available"; Align-GVGD: "Class C0"). This variant has not been reported in the literature in individuals affected with DDX3X-related conditions. This variant is not present in population databases (gnomAD no frequency). This sequence change replaces histidine, which is basic and polar, with proline, which is neutral and non-polar, at codon 627 of the DDX3X protein (p.His627Pro).